The following is an entry in ClinVar:

ClinVar aggregate classification (germline): Uncertain significance (1 of 4 stars; one submission).

Conditions:
Primary ciliary dyskinesia. Also called: Ciliary dyskinesia. Identifiers: Orphanet 244, MedGen C0008780, MONDO:0016575, HP:0012265.

Allele frequency attached by ClinVar (database versions not stated): gnomAD exomes below 0.00001; TOPMed 0.00001; gnomAD 0.00002.
gnomAD v4.1: 4 of 1,614,032 alleles (0.00025%); highest among the groups gnomAD compares: Non-Finnish European, 0.00034%; no homozygotes.

Submission:

Labcorp Genetics (formerly Invitae), Labcorp
Classification: Uncertain significance for Primary ciliary dyskinesia. Last evaluated: 2022-07-03. Review status: criteria provided, single submitter. Criteria: Invitae Variant Classification Sherloc (09022015). Collection method: clinical testing. Allele origin: germline.
Comment: This variant is present in population databases (no rsID available, gnomAD 0.0009%). This sequence change replaces leucine, which is neutral and non-polar, with valine, which is neutral and non-polar, at codon 218 of the ZMYND10 protein (p.Leu218Val). This variant has not been reported in the literature in individuals affected with ZMYND10-related conditions. ClinVar contains an entry for this variant (Variation ID: 1007974). Algorithms developed to predict the effect of missense changes on protein structure and function output the following: SIFT: "Tolerated"; PolyPhen-2: "Benign"; Align-GVGD: "Class C0". The valine amino acid residue is found in multiple mammalian species, which suggests that this missense change does not adversely affect protein function. In summary, the available evidence is currently insufficient to determine the role of this variant in disease. Therefore, it has been classified as a Variant of Uncertain Significance.

NM_015896.4(ZMYND10):c.652C>G (p.Leu218Val)

Gene: ZMYND10 (zinc finger MYND-type containing 10; minus strand). Cytogenetic location: 3p21.31.
Variant type: single nucleotide variant.
Coding change: c.652C>G on transcript NM_015896.4 (MANE Select); coding-DNA position 652, C replaced by G.
Protein change: p.Leu218Val; replaces leucine 218 with valine.
Molecular consequence: missense variant. On other transcripts: intron variant (1).
Genome position (GRCh38, 1-based): chr3:50,342,966, G>C on the plus strand (C>G on the coding strand, the complement: ZMYND10 is on the minus strand). VCF-style: chr3-50342966-G-C. GRCh37 (hg19) VCF-style: chr3-50380397-G-C.
Other names: c.599+152C>G (NM_001308379.2); short protein forms L218V.
Identifiers: ClinVar variation 1007974 (VCV001007974.5), dbSNP rs1192317553, ClinGen allele CA352941792.